The following is an entry in ClinVar:

NM_003392.7(WNT5A):c.951G>A (p.Ser317=)

Gene: WNT5A (Wnt family member 5A; minus strand). Cytogenetic location: 3p14.3.
Variant type: single nucleotide variant.
Coding change: c.951G>A on transcript NM_003392.7 (MANE Select); coding-DNA position 951, G replaced by A.
Protein change: p.Ser317=; no amino-acid change (serine 317 retained).
Molecular consequence: synonymous variant.
Genome position (GRCh38, 1-based): chr3:55,470,284, C>T on the plus strand (G>A on the coding strand, the complement: WNT5A is on the minus strand). VCF-style: chr3-55470284-C-T. GRCh37 (hg19) VCF-style: chr3-55504312-C-T.
Other names: c.906G>A, p.Ser302= (NM_001256105.1, NM_001377271.1, NM_001377272.1).
Identifiers: ClinVar variation 741104 (VCV000741104.9), dbSNP rs766254001, ClinGen allele CA2458931.
Genomic context (GRCh38, chr3:55,470,284, plus strand): 5'-GAGCTCGCAGCCATCCATGCCCTCCGACGTCTTGTTGCACAGGCGGCCCTGCGTGCCCAG[C>T]GAGCCGGTGCTCTCATTGCGCACGCAGTAGTCAGGGCTGGGGTCGATGTAGACCAGGTCT-3'
Protein context (NP_003383.4, residues 307-327): DYCVRNESTG[Ser317=]LGTQGRLCNK

ClinVar aggregate classification (germline): Likely benign. Review status: criteria provided, multiple submitters, no conflicts (2 of 4 stars). 2 submissions from 2 submitters: Likely benign (2). Last evaluated 2025-11-17.

Conditions:
WNT5A-related disorder. Also called: WNT5A-related condition.

Allele frequency attached by ClinVar (database versions not stated): gnomAD 0.00001; gnomAD exomes 0.00002; TOPMed 0.00002.
gnomAD v4.1: 26 of 1,613,646 alleles (0.0016%); highest among the groups gnomAD compares: East Asian, 0.024%; 1 homozygote.

Submissions (2):

Labcorp Genetics (formerly Invitae), Labcorp
Classification: Likely benign. Last evaluated: 2025-11-17. Review status: criteria provided, single submitter. Criteria: Invitae Variant Classification Sherloc (09022015). Collection method: clinical testing. Allele origin: germline.

PreventionGenetics, part of Exact Sciences
Classification: Likely benign for WNT5A-related condition. Last evaluated: 2025-07-28. Review status: criteria provided, single submitter. Criteria: ACMG Guidelines, 2015. Collection method: clinical testing. Allele origin: germline.
Comment: This variant is classified as likely benign based on ACMG/AMP sequence variant interpretation guidelines (Richards et al. 2015 PMID: 25741868, with internal and published modifications).